The following is an entry in ClinVar:

NM_006267.5(RANBP2):c.1963G>A (p.Ala655Thr)

Gene: RANBP2 (RAN binding protein 2; plus strand). Cytogenetic location: 2q13.
Variant type: single nucleotide variant.
Coding change: c.1963G>A on transcript NM_006267.5 (MANE Select); coding-DNA position 1963, G replaced by A.
Protein change: p.Ala655Thr; replaces alanine 655 with threonine.
Molecular consequence: missense variant.
Genome position (GRCh38, 1-based): chr2:108,753,471, G>A. VCF-style: chr2-108753471-G-A. GRCh37 (hg19) VCF-style: chr2-109369927-G-A.
Other names: short protein forms A655T.
Identifiers: ClinVar variation 1380403 (VCV001380403.7), dbSNP rs2149232582, ClinGen allele CA348053015.

ClinVar aggregate classification (germline): Uncertain significance (1 of 4 stars; one submission).

Conditions:
Familial acute necrotizing encephalopathy (IIAE3). Also called: ENCEPHALOPATHY, ACUTE, INFECTION-INDUCED, SUSCEPTIBILITY TO, 3; Susceptibility to Acute Necrotizing Encephalopathy 1. Identifiers: Orphanet 88619, MedGen C2675556, MONDO:0011953, OMIM 608033.

Submission:

Labcorp Genetics (formerly Invitae), Labcorp
Classification: Uncertain significance for Familial acute necrotizing encephalopathy. Last evaluated: 2024-02-23. Review status: criteria provided, single submitter. Criteria: Invitae Variant Classification Sherloc (09022015). Collection method: clinical testing. Allele origin: germline.
Comment: This sequence change replaces alanine, which is neutral and non-polar, with threonine, which is neutral and polar, at codon 655 of the RANBP2 protein (p.Ala655Thr). This variant is not present in population databases (gnomAD no frequency). This variant has not been reported in the literature in individuals affected with RANBP2-related conditions. ClinVar contains an entry for this variant (Variation ID: 1380403). An algorithm developed to predict the effect of missense changes on protein structure and function (PolyPhen-2) suggests that this variant is likely to be tolerated. In summary, the available evidence is currently insufficient to determine the role of this variant in disease. Therefore, it has been classified as a Variant of Uncertain Significance.